The following is an entry in ClinVar:

NM_015374.3(SUN2):c.1663+4C>T

Genes: GTPBP1 (GTP binding protein 1; plus strand), SUN2 (Sad1 and UNC84 domain containing 2; minus strand). Cytogenetic location: 22q13.1.
Variant type: single nucleotide variant.
Coding change: c.1663+4C>T on transcript NM_015374.3 (MANE Select); 4 bases into the intron after coding-DNA position 1663, C replaced by T.
Molecular consequence: intron variant.
Genome position (GRCh38, 1-based): chr22:38,739,338, G>A on the plus strand (C>T on the coding strand, the complement: SUN2 is on the minus strand). VCF-style: chr22-38739338-G-A. GRCh37 (hg19) VCF-style: chr22-39135343-G-A.
Other names: c.1171+4C>T (NM_001394443.1); c.1573+4C>T (NM_001394438.1); c.1525+4C>T (NM_001394439.1, NM_001394441.1, NM_001394440.1); c.1087+4C>T (NM_001394444.1, NM_001394445.1); c.1264+4C>T (NM_001394442.1); c.1660+4C>T (NM_001394437.1, NM_001394436.1); c.1756+4C>T (NM_001394427.1); c.1726+4C>T (NM_001199579.2, NM_001394428.1); and 2 more.
Identifiers: ClinVar variation 1521550 (VCV001521550.6), dbSNP rs367645117, ClinGen allele CA10235487.

ClinVar aggregate classification (germline): Uncertain significance (1 of 4 stars; one submission).

Conditions:
Emery-Dreifuss muscular dystrophy (EDMD). Also called: Scapuloperoneal syndrome, X-linked (formerly); Humeroperoneal neuromuscular disease, (formerly). Identifiers: Orphanet 261, MedGen C0410189, MONDO:0016830.

Allele frequency attached by ClinVar (database versions not stated): ExAC 0.00003; gnomAD exomes 0.00003; ESP Exome Variant Server 0.00054.
gnomAD v4.1: 75 of 1,612,796 alleles (0.0047%); highest among the groups gnomAD compares: African/African-American, 0.047%; no homozygotes.

Submission:

Labcorp Genetics (formerly Invitae), Labcorp
Classification: Uncertain significance for Emery-Dreifuss muscular dystrophy. Last evaluated: 2025-06-24. Review status: criteria provided, single submitter. Criteria: Invitae Variant Classification Sherloc (09022015). Collection method: clinical testing. Allele origin: germline.
Comment: This sequence change falls in intron 14 of the SUN2 gene. It does not directly change the encoded amino acid sequence of the SUN2 protein. It affects a nucleotide within the consensus splice site. This variant is present in population databases (rs367645117, gnomAD 0.05%). This variant has not been reported in the literature in individuals affected with SUN2-related conditions. ClinVar contains an entry for this variant (Variation ID: 1521550). Variants that disrupt the consensus splice site are a relatively common cause of aberrant splicing (PMID: 17576681, 9536098). Algorithms developed to predict the effect of sequence changes on RNA splicing suggest that this variant is not likely to affect RNA splicing. In summary, the available evidence is currently insufficient to determine the role of this variant in disease. Therefore, it has been classified as a Variant of Uncertain Significance.

Literature cited by the submitters: PubMed 17576681; PubMed 9536098.